The following is an entry in ClinVar:

NM_003737.4(DCHS1):c.8998G>A (p.Glu3000Lys)

Gene: DCHS1 (dachsous cadherin-related 1; minus strand). Cytogenetic location: 11p15.4.
Variant type: single nucleotide variant.
Coding change: c.8998G>A on transcript NM_003737.4 (MANE Select); coding-DNA position 8998, G replaced by A.
Protein change: p.Glu3000Lys; replaces glutamic acid 3000 with lysine.
Molecular consequence: missense variant.
Genome position (GRCh38, 1-based): chr11:6,622,678, C>T on the plus strand (G>A on the coding strand, the complement: DCHS1 is on the minus strand). VCF-style: chr11-6622678-C-T. GRCh37 (hg19) VCF-style: chr11-6643909-C-T.
Other names: short protein forms E3000K.
Identifiers: ClinVar variation 4741834 (VCV004741834.1).

ClinVar aggregate classification (germline): Uncertain significance (1 of 4 stars; one submission).

Submission:

Labcorp Genetics (formerly Invitae), Labcorp
Classification: Uncertain significance. Last evaluated: 2025-09-29. Review status: criteria provided, single submitter. Criteria: Invitae Variant Classification Sherloc (09022015). Collection method: clinical testing. Allele origin: germline.
Comment: This sequence change replaces glutamic acid, which is acidic and polar, with lysine, which is basic and polar, at codon 3000 of the DCHS1 protein (p.Glu3000Lys). This variant is not present in population databases (gnomAD no frequency). This variant has not been reported in the literature in individuals affected with DCHS1-related conditions. Invitae Evidence Modeling of protein sequence and biophysical properties (such as structural, functional, and spatial information, amino acid conservation, physicochemical variation, residue mobility, and thermodynamic stability) indicates that this missense variant is not expected to disrupt DCHS1 protein function with a negative predictive value of 80%. In summary, the available evidence is currently insufficient to determine the role of this variant in disease. Therefore, it has been classified as a Variant of Uncertain Significance.